The following is an entry in ClinVar:

ClinVar aggregate classification (germline): Benign. Review status: criteria provided, multiple submitters, no conflicts (2 of 4 stars). 2 submissions from 2 submitters: Benign (2). Last evaluated 2018-01-13.

Conditions:
Xeroderma pigmentosum, group F (XPF). Also called: XERODERMA PIGMENTOSUM, COMPLEMENTATION GROUP F; XERODERMA PIGMENTOSUM VI; XP, GROUP F; ERCC4-Related Xeroderma Pigmentosum; XERODERMA PIGMENTOSUM, TYPE F; Xeroderma pigmentosum, type 6. Identifiers: MedGen C0268140, MONDO:0010215, OMIM 278760.

Allele frequency attached by ClinVar (database versions not stated): 1000 Genomes Project 0.02835; gnomAD 0.04343 and 0.04451; 1000 Genomes Project 30x 0.02858; TOPMed 0.04143; gnomAD exomes 0.04713.
gnomAD v4.1: 10,443 of 231,958 alleles (4.5%); highest among the groups gnomAD compares: Admixed American, 6%; 326 homozygotes.

Submissions (2):

Illumina Laboratory Services, Illumina
Classification: Benign for Xeroderma pigmentosum, group F. Last evaluated: 2018-01-13. Review status: criteria provided, single submitter. Criteria: ICSL Variant Classification Criteria 13 December 2019. Collection method: clinical testing. Allele origin: germline.
Comment: This variant was observed in the ICSL laboratory as part of a predisposition screen in an ostensibly healthy population. It had not been previously curated by ICSL or reported in the Human Gene Mutation Database (HGMD: prior to June 1st, 2018), and was therefore a candidate for classification through an automated scoring system. Utilizing variant allele frequency, disease prevalence and penetrance estimates, and inheritance mode, an automated score was calculated to assess if this variant is too frequent to cause the disease. Based on the score and internal cut-off values, a variant classified as benign is not then subjected to further curation. The score for this variant resulted in a classification of benign for this disease.

Breakthrough Genomics
Classification: Benign. Review status: criteria provided, single submitter. Criteria: ACMG Guidelines, 2015. Collection method: not provided. Allele origin: germline. Inheritance: Autosomal recessive inheritance. Affected: yes.

NM_005236.3(ERCC4):c.*1421G>T

Gene: ERCC4 (ERCC excision repair 4, endonuclease catalytic subunit; plus strand). Cytogenetic location: 16p13.12.
Variant type: single nucleotide variant.
Coding change: c.*1421G>T on transcript NM_005236.3 (MANE Select); 1421 bases downstream of the stop codon, G replaced by T.
Molecular consequence: 3 prime UTR variant.
Genome position (GRCh38, 1-based): chr16:13,949,768, G>T. VCF-style: chr16-13949768-G-T. GRCh37 (hg19) VCF-style: chr16-14043625-G-T.
Identifiers: ClinVar variation 317843 (VCV000317843.6), dbSNP rs76447723, ClinGen allele CA10647760.